The following is an entry in ClinVar:

ClinVar aggregate classification (germline): Likely benign (1 of 4 stars; one submission).

Allele frequency attached by ClinVar (database versions not stated): gnomAD exomes below 0.00001.
gnomAD v4.1: 4 of 1,567,832 alleles (0.00026%); highest among the groups gnomAD compares: South Asian, 0.0012%; no homozygotes.

Submission:

CeGaT Center for Human Genetics Tuebingen
Classification: Likely benign. Last evaluated: 2022-07-01. Review status: criteria provided, single submitter. Criteria: CeGaT Center For Human Genetics Tuebingen Variant Classification Criteria Version 2. Collection method: clinical testing. Allele origin: germline. Affected: yes. Observed: 1 variant allele.
Comment: CFAP46: PM2:Supporting, BP4, BP7

NM_001200049.3(CFAP46):c.5832G>A (p.Leu1944=)

Gene: CFAP46 (cilia and flagella associated protein 46; minus strand). Cytogenetic location: 10q26.3.
Variant type: single nucleotide variant.
Coding change: c.5832G>A on transcript NM_001200049.3 (MANE Select); coding-DNA position 5832, G replaced by A.
Protein change: p.Leu1944=; no amino-acid change (leucine 1944 retained).
Molecular consequence: synonymous variant.
Genome position (GRCh38, 1-based): chr10:132,850,364, C>T on the plus strand (G>A on the coding strand, the complement: CFAP46 is on the minus strand). VCF-style: chr10-132850364-C-T. GRCh37 (hg19) VCF-style: chr10-134663868-C-T.
Identifiers: ClinVar variation 2640980 (VCV002640980.24), dbSNP rs2539445532, ClinGen allele CA471855384.